The following is an entry in ClinVar:

ClinVar aggregate classification (germline): Likely benign (1 of 4 stars; one submission).

Allele frequency attached by ClinVar (database versions not stated): gnomAD exomes 0.00036; ExAC 0.00119; gnomAD 0.00323; 1000 Genomes Project 30x 0.00359; ESP Exome Variant Server 0.00477; 1000 Genomes Project 0.00359; TOPMed 0.00373.
gnomAD v4.1: 1,062 of 1,614,118 alleles (0.066%); highest among the groups gnomAD compares: African/African-American, 1.2%; 8 homozygotes.

Submission:

CeGaT Center for Human Genetics Tuebingen
Classification: Likely benign. Last evaluated: 2025-11-01. Review status: criteria provided, single submitter. Criteria: CeGaT Center For Human Genetics Tuebingen Variant Classification Criteria Version 2. Collection method: clinical testing. Allele origin: germline. Affected: yes. Observed: 3 variant alleles.
Comment: INSRR: BP4, BP7, BS1

NM_014215.3(INSRR):c.3480C>T (p.Ala1160=)

Genes: INSRR (insulin receptor related receptor; minus strand), NTRK1 (neurotrophic receptor tyrosine kinase 1; plus strand). Cytogenetic location: 1q23.1.
Variant type: single nucleotide variant.
Coding change: c.3480C>T on transcript NM_014215.3 (MANE Select); coding-DNA position 3480, C replaced by T.
Protein change: p.Ala1160=; no amino-acid change (alanine 1160 retained).
Molecular consequence: synonymous variant. On other transcripts: intron variant (1).
Genome position (GRCh38, 1-based): chr1:156,841,712, G>A on the plus strand (C>T on the coding strand, the complement: INSRR is on the minus strand). VCF-style: chr1-156841712-G-A. GRCh37 (hg19) VCF-style: chr1-156811504-G-A.
Other names: c.10-369G>A (NM_001007792.1).
Identifiers: ClinVar variation 3025245 (VCV003025245.20), dbSNP rs111433413, ClinGen allele CA1167655.
Genomic context (GRCh38, chr1:156,841,712, plus strand): 5'-AGCTCGGCCCCACCAGACATCCGAGTGGGTGGTGAAGATCCCATCTTTGAGGGACTCGGG[G>A]GCCATCCAGCGCACGGGCAGCAGCCCCTTCCCACCCTTGCGGTAATAGTCTGTCTCATAC-3'
Protein context (NP_055030.1, residues 1150-1170): GKGLLPVRWM[Ala1160=]PESLKDGIFT